The following is an entry in ClinVar:

ClinVar aggregate classification (germline): Pathogenic (1 of 4 stars; one submission).

Conditions:
Norman-Roberts syndrome (LIS2). Also called: Lissencephaly 2 (Norman-Roberts type). Identifiers: Orphanet 89844, MedGen C0796089, MONDO:0009760, OMIM 257320.
Familial temporal lobe epilepsy 7. Identifiers: Orphanet 101046, MedGen C4225327, MONDO:0014639, OMIM 616436.

Submission:

Labcorp Genetics (formerly Invitae), Labcorp
Classification: Pathogenic for Familial temporal lobe epilepsy 7; Norman-Roberts syndrome. Last evaluated: 2024-08-29. Review status: criteria provided, single submitter. Criteria: Invitae Variant Classification Sherloc (09022015). Collection method: clinical testing. Allele origin: germline.
Comment: This sequence change creates a premature translational stop signal (p.Gln3115*) in the RELN gene. It is expected to result in an absent or disrupted protein product. Loss-of-function variants in RELN are known to be pathogenic (PMID: 10973257, 26046367, 28454995). This variant is not present in population databases (gnomAD no frequency). This variant has not been reported in the literature in individuals affected with RELN-related conditions. Algorithms developed to predict the effect of sequence changes on RNA splicing suggest that this variant may disrupt the consensus splice site. For these reasons, this variant has been classified as Pathogenic.

Literature cited by the submitters: PubMed 10973257; PubMed 26046367; PubMed 28454995.

NM_005045.4(RELN):c.9343C>T (p.Gln3115Ter)

Genes: RELN (reelin; minus strand), SLC26A5-AS1 (SLC26A5 antisense RNA 1; plus strand). Cytogenetic location: 7q22.1.
Variant type: single nucleotide variant.
Coding change: c.9343C>T on transcript NM_005045.4 (MANE Select); coding-DNA position 9343, C replaced by T.
Protein change: p.Gln3115Ter; replaces glutamine 3115 with a stop codon.
Molecular consequence: nonsense.
Genome position (GRCh38, 1-based): chr7:103,495,749, G>A on the plus strand (C>T on the coding strand, the complement: RELN is on the minus strand). VCF-style: chr7-103495749-G-A. GRCh37 (hg19) VCF-style: chr7-103136196-G-A.
Other names: c.9343C>T, p.Gln3115Ter (NM_173054.3); short protein forms Q3115*.
Identifiers: ClinVar variation 3757895 (VCV003757895.2).
Genomic context (GRCh38, chr7:103,495,749, plus strand): 5'-CTACTTTCTGTTTTAAAGAGCCACTTTTCCTTACTTTAAACTGCATCATGTATCCTGGCT[G>A]TATAATGAGTTCTCGGGAGGAGAGAGCATTGTGAGTCTTGTCCTTCTTTTTATTTGGCCA-3'